The following is an entry in ClinVar:

NM_001297.5(CNGB1):c.3106G>C (p.Val1036Leu)

Gene: CNGB1 (cyclic nucleotide gated channel subunit beta 1; minus strand). Cytogenetic location: 16q21.
Variant type: single nucleotide variant.
Coding change: c.3106G>C on transcript NM_001297.5 (MANE Select); coding-DNA position 3106, G replaced by C.
Protein change: p.Val1036Leu; replaces valine 1036 with leucine.
Molecular consequence: missense variant.
Genome position (GRCh38, 1-based): chr16:57,897,533, C>G on the plus strand (G>C on the coding strand, the complement: CNGB1 is on the minus strand). VCF-style: chr16-57897533-C-G. GRCh37 (hg19) VCF-style: chr16-57931437-C-G.
Other names: c.3088G>C, p.Val1030Leu (NM_001286130.2); short protein forms V1036L, V1030L.
Identifiers: ClinVar variation 1434143 (VCV001434143.7), dbSNP rs750379218, ClinGen allele CA396066840.
Genomic context (GRCh38, chr16:57,897,533, plus strand): 5'-TGAAGAGGTTGGTAAACCCGTGCGCCACCACGTTGGCCGTGCGCCGGTTCCCGCCCCCAA[C>G]AGCCAGCAAGCTGGGGCAGAGAAGGGAGGAAGGAGGCCCTTCAGAGACTGCCGTTTCGGT-3'
Protein context (NP_001288.3, residues 1026-1046): SVFGEISLLA[Val1036Leu]GGGNRRTANV

ClinVar aggregate classification (germline): Uncertain significance (1 of 4 stars; one submission).

gnomAD v4.1: 1 of 1,614,142 alleles (0.000062%); highest among the groups gnomAD compares: Admixed American, 0.0017%; no homozygotes.

Submission:

Labcorp Genetics (formerly Invitae), Labcorp
Classification: Uncertain significance. Last evaluated: 2024-12-09. Review status: criteria provided, single submitter. Criteria: Invitae Variant Classification Sherloc (09022015). Collection method: clinical testing. Allele origin: germline.
Comment: This sequence change replaces valine, which is neutral and non-polar, with leucine, which is neutral and non-polar, at codon 1036 of the CNGB1 protein (p.Val1036Leu). This variant is present in population databases (no rsID available, gnomAD 0.003%). This variant has not been reported in the literature in individuals affected with CNGB1-related conditions. ClinVar contains an entry for this variant (Variation ID: 1434143). Invitae Evidence Modeling of protein sequence and biophysical properties (such as structural, functional, and spatial information, amino acid conservation, physicochemical variation, residue mobility, and thermodynamic stability) indicates that this missense variant is not expected to disrupt CNGB1 protein function with a negative predictive value of 80%. In summary, the available evidence is currently insufficient to determine the role of this variant in disease. Therefore, it has been classified as a Variant of Uncertain Significance.